The following is an entry in ClinVar:

NM_012463.4(ATP6V0A2):c.826G>C (p.Val276Leu)

Gene: ATP6V0A2 (ATPase H+ transporting V0 subunit a2; plus strand). Cytogenetic location: 12q24.31.
Variant type: single nucleotide variant.
Coding change: c.826G>C on transcript NM_012463.4 (MANE Select); coding-DNA position 826, G replaced by C.
Protein change: p.Val276Leu; replaces valine 276 with leucine.
Molecular consequence: missense variant.
Genome position (GRCh38, 1-based): chr12:123,737,059, G>C. VCF-style: chr12-123737059-G-C. GRCh37 (hg19) VCF-style: chr12-124221606-G-C.
Other names: short protein forms V276L.
Identifiers: ClinVar variation 3620351 (VCV003620351.2).

ClinVar aggregate classification (germline): Uncertain significance (1 of 4 stars; one submission).

Conditions:
ALG9 congenital disorder of glycosylation (CDG1L). Also called: CDG Il; ALG9-CDG; CONGENITAL DISORDER OF GLYCOSYLATION, TYPE Il. Identifiers: Orphanet 79328, MedGen C2931006, MONDO:0012117, OMIM 608776.

gnomAD v4.1: 1 of 1,614,170 alleles (0.000062%); highest among the groups gnomAD compares: Non-Finnish European, 0.000085%; no homozygotes.

Submission:

Labcorp Genetics (formerly Invitae), Labcorp
Classification: Uncertain significance for ALG9 congenital disorder of glycosylation. Last evaluated: 2024-10-30. Review status: criteria provided, single submitter. Criteria: Invitae Variant Classification Sherloc (09022015). Collection method: clinical testing. Allele origin: germline.
Comment: This sequence change replaces valine, which is neutral and non-polar, with leucine, which is neutral and non-polar, at codon 276 of the ATP6V0A2 protein (p.Val276Leu). This variant is present in population databases (rs374546165, gnomAD 0.0009%). This variant has not been reported in the literature in individuals affected with ATP6V0A2-related conditions. An algorithm developed to predict the effect of missense changes on protein structure and function (PolyPhen-2) suggests that this variant is likely to be disruptive. In summary, the available evidence is currently insufficient to determine the role of this variant in disease. Therefore, it has been classified as a Variant of Uncertain Significance.